The following is an entry in ClinVar:

NM_001351132.2(PEX5):c.315A>C (p.Arg105Ser)

Gene: PEX5 (peroxisomal biogenesis factor 5; plus strand). Cytogenetic location: 12p13.31.
Variant type: single nucleotide variant.
Coding change: c.315A>C on transcript NM_001351132.2 (MANE Select); coding-DNA position 315, A replaced by C.
Protein change: p.Arg105Ser; replaces arginine 105 with serine.
Molecular consequence: missense variant.
Genome position (GRCh38, 1-based): chr12:7,191,357, A>C. VCF-style: chr12-7191357-A-C. GRCh37 (hg19) VCF-style: chr12-7343953-A-C.
Other names: c.315A>C, p.Arg105Ser (NM_001351127.2, NM_001351128.2, NM_001351130.3 and 19 more transcripts); c.360A>C, p.Arg120Ser (NM_001351138.2, NM_001351135.3, NM_001131023.2); short protein forms R120S, R105S.
Identifiers: ClinVar variation 1448714 (VCV001448714.5), dbSNP rs2135899269, ClinGen allele CA383711680.

ClinVar aggregate classification (germline): Uncertain significance (1 of 4 stars; one submission).

Conditions:
Peroxisome biogenesis disorder 2B (PBD2B). Identifiers: Orphanet 44, MedGen C3550234, MONDO:0008736, OMIM 202370.

Submission:

Labcorp Genetics (formerly Invitae), Labcorp
Classification: Uncertain significance for Peroxisome biogenesis disorder 2B. Last evaluated: 2022-10-03. Review status: criteria provided, single submitter. Criteria: Invitae Variant Classification Sherloc (09022015). Collection method: clinical testing. Allele origin: germline.
Comment: This variant has not been reported in the literature in individuals affected with PEX5-related conditions. In summary, the available evidence is currently insufficient to determine the role of this variant in disease. Therefore, it has been classified as a Variant of Uncertain Significance. Algorithms developed to predict the effect of missense changes on protein structure and function (SIFT, PolyPhen-2, Align-GVGD) all suggest that this variant is likely to be tolerated. ClinVar contains an entry for this variant (Variation ID: 1448714). This variant is not present in population databases (gnomAD no frequency). This sequence change replaces arginine, which is basic and polar, with serine, which is neutral and polar, at codon 105 of the PEX5 protein (p.Arg105Ser).